The following is an entry in ClinVar:

NM_000127.3(EXT1):c.1692dup (p.Asp565Ter)

Gene: EXT1 (exostosin glycosyltransferase 1; minus strand). Cytogenetic location: 8q24.11.
Variant type: Duplication.
Coding change: c.1692dup on transcript NM_000127.3 (MANE Select); coding-DNA position 1692, one base duplicated (T; older notation c.1692dupT).
Protein change: p.Asp565Ter; replaces aspartic acid 565 with a stop codon.
Molecular consequence: nonsense.
Genome position (GRCh38, 1-based): chr8:117,812,902, A duplicated on the plus strand (T on the coding strand, the reverse complement: EXT1 is on the minus strand); the first of 2 consecutive A bases (chr8:117,812,902-117,812,903); duplicating either gives the same sequence. VCF-style (leftmost placement, unchanged base first): chr8-117812901-C-CA. GRCh37 (hg19) VCF-style: chr8-118825140-C-CA.
Other names: short protein forms D565*.
Identifiers: ClinVar variation 1363294 (VCV001363294.6), dbSNP rs2129720016, ClinGen allele CA2573142816.

ClinVar aggregate classification (germline): Pathogenic (1 of 4 stars; one submission).

Conditions:
Multiple congenital exostosis (EXT). Also called: Multiple exostoses; MULTIPLE CARTILAGINOUS EXOSTOSES; Hereditary multiple exostoses; Hereditary multiple exostosis; Hereditary multiple osteochondromas; Multiple osteochondromas. Identifiers: Orphanet 321, MedGen C0015306, MONDO:0005508, HP:0002762.

Submission:

Labcorp Genetics (formerly Invitae), Labcorp
Classification: Pathogenic for Multiple congenital exostosis. Last evaluated: 2021-04-05. Review status: criteria provided, single submitter. Criteria: Invitae Variant Classification Sherloc (09022015). Collection method: clinical testing. Allele origin: germline.
Comment: For these reasons, this variant has been classified as Pathogenic. This variant has not been reported in the literature in individuals with EXT1-related conditions. This variant is not present in population databases (ExAC no frequency). This sequence change creates a premature translational stop signal (p.Asp565*) in the EXT1 gene. It is expected to result in an absent or disrupted protein product. Loss-of-function variants in EXT1 are known to be pathogenic (PMID: 10679937, 11391482, 19810120).

Literature cited by the submitters: PubMed 10679937; PubMed 11391482; PubMed 19810120.